The following is an entry in ClinVar:

ClinVar aggregate classification (germline): Uncertain significance (1 of 4 stars; one submission).

gnomAD v4.1: 5 of 1,608,464 alleles (0.00031%); highest among the groups gnomAD compares: African/African-American, 0.004%; no homozygotes.

Submission:

Labcorp Genetics (formerly Invitae), Labcorp
Classification: Uncertain significance. Last evaluated: 2024-07-01. Review status: criteria provided, single submitter. Criteria: Invitae Variant Classification Sherloc (09022015). Collection method: clinical testing. Allele origin: germline.
Comment: This sequence change replaces threonine, which is neutral and polar, with arginine, which is basic and polar, at codon 884 of the SI protein (p.Thr884Arg). This variant is present in population databases (no rsID available, gnomAD 0.0009%). This variant has not been reported in the literature in individuals affected with SI-related conditions. ClinVar contains an entry for this variant (Variation ID: 2116505). Advanced modeling of protein sequence and biophysical properties (such as structural, functional, and spatial information, amino acid conservation, physicochemical variation, residue mobility, and thermodynamic stability) has been performed at Invitae for this missense variant, however the output from this modeling did not meet the statistical confidence thresholds required to predict the impact of this variant on SI protein function. In summary, the available evidence is currently insufficient to determine the role of this variant in disease. Therefore, it has been classified as a Variant of Uncertain Significance.

NM_001041.4(SI):c.2651C>G (p.Thr884Arg)

Gene: SI (sucrase-isomaltase; minus strand). Cytogenetic location: 3q26.1.
Variant type: single nucleotide variant.
Coding change: c.2651C>G on transcript NM_001041.4 (MANE Select); coding-DNA position 2651, C replaced by G.
Protein change: p.Thr884Arg; replaces threonine 884 with arginine.
Molecular consequence: missense variant.
Genome position (GRCh38, 1-based): chr3:165,032,607, G>C on the plus strand (C>G on the coding strand, the complement: SI is on the minus strand). VCF-style: chr3-165032607-G-C. GRCh37 (hg19) VCF-style: chr3-164750395-G-C.
Other names: short protein forms T884R.
Identifiers: ClinVar variation 2116505 (VCV002116505.4), dbSNP rs141329406, ClinGen allele CA355046562.